The following is an entry in ClinVar:

NM_001174089.2(SLC4A11):c.44-329A>G

Gene: SLC4A11 (solute carrier family 4 member 11; minus strand). Cytogenetic location: 20p13.
Variant type: single nucleotide variant.
Coding change: c.44-329A>G on transcript NM_001174089.2 (MANE Select); 329 bases into the intron before coding-DNA position 44, A replaced by G.
Molecular consequence: intron variant. On other transcripts: missense variant (2), non-coding transcript variant (2).
Genome position (GRCh38, 1-based): chr20:3,237,917, T>C on the plus strand (A>G on the coding strand, the complement: SLC4A11 is on the minus strand). VCF-style: chr20-3237917-T-C. GRCh37 (hg19) VCF-style: chr20-3218563-T-C.
Other names: c.148A>G, p.Arg50Gly (NM_001174090.2, NM_001400280.1); c.-14-329A>G (NM_001400277.1, NM_001400278.1, NM_001400279.1); c.44-329A>G (NM_001363745.2); short protein forms R50G.
Identifiers: ClinVar variation 3056080 (VCV003056080.2), dbSNP rs79057061, ClinGen allele CA9742525.
Genomic context (GRCh38, chr20:3,237,917, plus strand): 5'-TCCAGGGATGTCTTCCCACCGAGTTAGTACCAGTACCATGTTCGCTAATCCAGGTTTTCC[T>C]GAGAAAACCCTGCCCCGCTGCAGCGAGAGGAAGGGACCGGGCCCGAGCGGGCCTCTCCCC-3'

ClinVar aggregate classification (germline): Benign (0 of 4 stars; one submission).

Conditions:
SLC4A11-related disorder. Also called: SLC4A11-related condition.

Allele frequency attached by ClinVar (database versions not stated): ExAC 0.05938; 1000 Genomes Project 0.06410; 1000 Genomes Project 30x 0.06793; TOPMed 0.09130.
gnomAD v4.1: 127,924 of 1,550,574 alleles (8.3%); highest among the groups gnomAD compares: African/African-American, 12%; 5,798 homozygotes.

Submission:

PreventionGenetics, part of Exact Sciences
Classification: Benign for SLC4A11-related condition. Last evaluated: 2019-02-18. Review status: no assertion criteria provided. Collection method: clinical testing. Allele origin: germline.
Comment: This variant is classified as benign based on ACMG/AMP sequence variant interpretation guidelines (Richards et al. 2015 PMID: 25741868, with internal and published modifications).